The following is an entry in ClinVar:

ClinVar aggregate classification (germline): Uncertain significance (1 of 4 stars; one submission).

Submission:

Labcorp Genetics (formerly Invitae), Labcorp
Classification: Uncertain significance. Last evaluated: 2022-03-04. Review status: criteria provided, single submitter. Criteria: Invitae Variant Classification Sherloc (09022015). Collection method: clinical testing. Allele origin: germline.
Comment: This sequence change replaces lysine, which is basic and polar, with arginine, which is basic and polar, at codon 950 of the POLE protein (p.Lys950Arg). This variant is not present in population databases (gnomAD no frequency). This variant has not been reported in the literature in individuals affected with POLE-related conditions. Algorithms developed to predict the effect of missense changes on protein structure and function (SIFT, PolyPhen-2, Align-GVGD) all suggest that this variant is likely to be disruptive. Algorithms developed to predict the effect of sequence changes on RNA splicing suggest that this variant may disrupt the consensus splice site. In summary, the available evidence is currently insufficient to determine the role of this variant in disease. Therefore, it has been classified as a Variant of Uncertain Significance.

NM_006231.4(POLE):c.2849A>G (p.Lys950Arg)

Gene: POLE (DNA polymerase epsilon, catalytic subunit; minus strand). Cytogenetic location: 12q24.33.
Variant type: single nucleotide variant.
Coding change: c.2849A>G on transcript NM_006231.4 (MANE Select); coding-DNA position 2849, A replaced by G.
Protein change: p.Lys950Arg; replaces lysine 950 with arginine.
Molecular consequence: missense variant.
Genome position (GRCh38, 1-based): chr12:132,661,542, T>C on the plus strand (A>G on the coding strand, the complement: POLE is on the minus strand). VCF-style: chr12-132661542-T-C. GRCh37 (hg19) VCF-style: chr12-133238128-T-C.
Other names: short protein forms K950R.
Identifiers: ClinVar variation 1495294 (VCV001495294.8), dbSNP rs2135948128, ClinGen allele CA387393580.